The following is an entry in ClinVar:

ClinVar aggregate classification (germline): Uncertain significance (1 of 4 stars; one submission).

Conditions:
Hereditary cancer-predisposing syndrome. Also called: Hereditary Cancer Syndrome; Neoplastic Syndromes, Hereditary; Tumor predisposition; Hereditary neoplastic syndrome. Identifiers: Orphanet 140162, MedGen C0027672, MeSH D009386, MONDO:0015356.

Submission:

Ambry Genetics
Classification: Uncertain significance for Hereditary cancer-predisposing syndrome. Last evaluated: 2024-01-17. Review status: criteria provided, single submitter. Criteria: Ambry Variant Classification Scheme 2023. Collection method: clinical testing. Allele origin: germline.
Comment: The p.Q1594P variant (also known as c.4781A>C), located in coding exon 33 of the SMARCA4 gene, results from an A to C substitution at nucleotide position 4781. The glutamine at codon 1594 is replaced by proline, an amino acid with similar properties. This amino acid position is highly conserved in available vertebrate species. In addition, the in silico prediction for this alteration is inconclusive. Missense and in-frame variants in SMARCA4 are known to cause neurodevelopmental disorders; however, such associations with rhabdoid tumor predisposition syndrome including small cell carcinoma of the ovary-hypercalcemic type (SCCOHT) are exceedingly rare (Kosho T et al. Am J Med Genet C Semin Med Genet. 2014 Sep;166C(3):262-75; Jelinic P et al. Nat Genet. 2014 May;46(5):424-6). Based on the supporting evidence, the association of this alteration with Coffin-Siris syndrome is unknown; however, the association of this alteration with rhabdoid tumor predisposition syndrome is unlikely.

NM_003072.5(SMARCA4):c.4685A>C (p.Gln1562Pro)

Gene: SMARCA4 (SWI/SNF related BAF chromatin remodeling complex subunit ATPase 4; plus strand). Cytogenetic location: 19p13.2.
Variant type: single nucleotide variant.
Coding change: c.4685A>C on transcript NM_003072.5 (MANE Select); coding-DNA position 4685, A replaced by C.
Protein change: p.Gln1562Pro; replaces glutamine 1562 with proline.
Molecular consequence: missense variant. On other transcripts: non-coding transcript variant (1).
Genome position (GRCh38, 1-based): chr19:11,059,802, A>C. VCF-style: chr19-11059802-A-C. GRCh37 (hg19) VCF-style: chr19-11170478-A-C.
Other names: c.4685A>C, p.Gln1562Pro (NM_001128844.3); c.4595A>C, p.Gln1532Pro (NM_001128845.2); c.4592A>C, p.Gln1531Pro (NM_001128846.2); c.4586A>C, p.Gln1529Pro (NM_001128847.4, NM_001374457.1); c.4583A>C, p.Gln1528Pro (NM_001128848.2); c.4781A>C, p.Gln1594Pro (NM_001128849.3, NM_001387283.1); c.4682A>C, p.Gln1561Pro (NM_001411150.1); short protein forms Q1528P, Q1531P, Q1532P, Q1561P, Q1562P, Q1529P, Q1594P.
Identifiers: ClinVar variation 1743050 (VCV001743050.2), dbSNP rs2147114226, ClinGen allele CA404079338.
Genomic context (GRCh38, chr19:11,059,802, plus strand): 5'-TCTCTGCCCAGATCTATGAAGACTCCATCGTCTTGCAGTCGGTCTTCACCAGCGTGCGGC[A>C]GAAAATCGAGAAGGAGGATGACAGTGAAGGCGAGGAGAGTGAGGAGGAGGAAGAGGGCGA-3'
Protein context (NP_003063.2, residues 1552-1572): VLQSVFTSVR[Gln1562Pro]KIEKEDDSEG